The following is an entry in ClinVar:

ClinVar aggregate classification (germline): Uncertain significance (1 of 4 stars; one submission).

gnomAD v4.1: 21 of 1,614,198 alleles (0.0013%); highest among the groups gnomAD compares: Non-Finnish European, 0.0018%; no homozygotes.

Submission:

Labcorp Genetics (formerly Invitae), Labcorp
Classification: Uncertain significance. Last evaluated: 2025-10-21. Review status: criteria provided, single submitter. Criteria: Invitae Variant Classification Sherloc (09022015). Collection method: clinical testing. Allele origin: germline.
Comment: This sequence change replaces proline, which is neutral and non-polar, with alanine, which is neutral and non-polar, at codon 380 of the CAD protein (p.Pro380Ala). This variant is present in population databases (no rsID available, gnomAD 0.007%). This variant has not been reported in the literature in individuals affected with CAD-related conditions. ClinVar contains an entry for this variant (Variation ID: 1499031). An algorithm developed to predict the effect of missense changes on protein structure and function (PolyPhen-2) suggests that this variant is likely to be tolerated. In summary, the available evidence is currently insufficient to determine the role of this variant in disease. Therefore, it has been classified as a Variant of Uncertain Significance.

NM_004341.5(CAD):c.1138C>G (p.Pro380Ala)

Gene: CAD (carbamoyl-phosphate synthetase 2, aspartate transcarbamylase, and dihydroorotase; plus strand). Cytogenetic location: 2p23.3.
Variant type: single nucleotide variant.
Coding change: c.1138C>G on transcript NM_004341.5 (MANE Select); coding-DNA position 1138, C replaced by G.
Protein change: p.Pro380Ala; replaces proline 380 with alanine.
Molecular consequence: missense variant.
Genome position (GRCh38, 1-based): chr2:27,224,374, C>G. VCF-style: chr2-27224374-C-G. GRCh37 (hg19) VCF-style: chr2-27447242-C-G.
Other names: c.1138C>G, p.Pro380Ala (NM_001306079.2); short protein forms P380A.
Identifiers: ClinVar variation 1499031 (VCV001499031.6), dbSNP rs368071348, ClinGen allele CA346203380.